The following is an entry in ClinVar:

NM_175065.3(H2AC21):c.138A>C (p.Ala46=)

Genes: H2AC21 (H2A clustered histone 21; minus strand), LOC129931379 (ATAC-STARR-seq lymphoblastoid active region 1662; plus strand). Cytogenetic location: 1q21.2.
Variant type: single nucleotide variant.
Coding change: c.138A>C on transcript NM_175065.3 (MANE Select); coding-DNA position 138, A replaced by C.
Protein change: p.Ala46=; no amino-acid change (alanine 46 retained).
Molecular consequence: synonymous variant.
Genome position (GRCh38, 1-based): chr1:149,887,779, T>G on the plus strand (A>C on the coding strand, the complement: H2AC21 is on the minus strand). VCF-style: chr1-149887779-T-G. GRCh37 (hg19) VCF-style: chr1-149859329-T-G.
Identifiers: ClinVar variation 2639149 (VCV002639149.24), dbSNP rs782125224, ClinGen allele CA420891444.

ClinVar aggregate classification (germline): Likely benign (1 of 4 stars; one submission).

Submission:

CeGaT Center for Human Genetics Tuebingen
Classification: Likely benign. Last evaluated: 2023-11-01. Review status: criteria provided, single submitter. Criteria: CeGaT Center For Human Genetics Tuebingen Variant Classification Criteria Version 2. Collection method: clinical testing. Allele origin: germline. Affected: yes. Observed: 2 variant alleles.
Comment: H2AC21: PM2:Supporting, BP4, BP7